The following is an entry in ClinVar:

ClinVar aggregate classification (germline): Likely benign. Review status: criteria provided, multiple submitters, no conflicts (2 of 4 stars). 3 submissions from 3 submitters: Likely benign (3). Last evaluated 2024-05-10.

Conditions:
Age related macular degeneration 1 (ARMD1). Also called: MACULOPATHY, AGE-RELATED, 1. Identifiers: MedGen C1864205, MONDO:0011285, OMIM 603075.

Allele frequency attached by ClinVar (database versions not stated): ExAC 0.00001; gnomAD 0.00001; TOPMed 0.00002.
gnomAD v4.1: 16 of 1,541,916 alleles (0.001%); highest among the groups gnomAD compares: South Asian, 0.0056%; no homozygotes.

Submissions (3):

Labcorp Genetics (formerly Invitae), Labcorp
Classification: Likely benign. Last evaluated: 2024-05-10. Review status: criteria provided, single submitter. Criteria: Invitae Variant Classification Sherloc (09022015). Collection method: clinical testing. Allele origin: germline.

Genome-Nilou Lab
Classification: Likely benign for Age related macular degeneration 1. Last evaluated: 2023-04-11. Review status: criteria provided, single submitter. Criteria: ACMG Guidelines, 2015. Collection method: clinical testing. Allele origin: germline. Affected: no.

CeGaT Center for Human Genetics Tuebingen
Classification: Likely benign. Last evaluated: 2023-04-01. Review status: criteria provided, single submitter. Criteria: CeGaT Center For Human Genetics Tuebingen Variant Classification Criteria Version 2. Collection method: clinical testing. Allele origin: germline. Affected: yes. Observed: 1 variant allele.
Comment: HMCN1: BP4

NM_031935.3(HMCN1):c.7426+8T>C

Gene: HMCN1 (hemicentin 1; plus strand). Cytogenetic location: 1q31.1.
Variant type: single nucleotide variant.
Coding change: c.7426+8T>C on transcript NM_031935.3 (MANE Select); 8 bases into the intron after coding-DNA position 7426, T replaced by C.
Molecular consequence: intron variant.
Genome position (GRCh38, 1-based): chr1:186,061,972, T>C. VCF-style: chr1-186061972-T-C. GRCh37 (hg19) VCF-style: chr1-186031104-T-C.
Identifiers: ClinVar variation 1917010 (VCV001917010.30), dbSNP rs761479714, ClinGen allele CA1292823.